The following is an entry in ClinVar:

ClinVar aggregate classification (germline): Pathogenic/Likely pathogenic. Review status: criteria provided, multiple submitters, no conflicts (2 of 4 stars). 2 submissions from 2 submitters: Pathogenic (1); Likely pathogenic (1). Last evaluated 2025-05-20.

Conditions:
Pulmonary arterial hypertension associated with congenital heart disease. Identifiers: Orphanet 275803, MedGen C3697119, MONDO:0017152.

Submissions (2):

GeneDx
Classification: Pathogenic. Last evaluated: 2025-05-20. Review status: criteria provided, single submitter. Criteria: GeneDx Variant Classification Process June 2021. Collection method: clinical testing. Allele origin: germline. Affected: yes.
Comment: Reported in a patient with patent ductus arteriosus, patent foramen ovale, and pulmonary arterial hypertension who also harbored variants in the PHF20L1 and LRP2 genes (PMID: 30029678); Not observed at significant frequency in large population cohorts (gnomAD); In-frame deletion of 1 amino acid in a non-repeat region; In silico analysis supports a deleterious effect on protein structure/function; This variant is associated with the following publications: (PMID: 30029678)

Wendy Chung Laboratory, Boston Children's Hospital
Classification: Likely pathogenic for Pulmonary arterial hypertension associated with congenital heart disease. Last evaluated: 2018-06-27. Review status: criteria provided, single submitter. Criteria: ACMG Guidelines, 2015. Collection method: case-control. Allele origin: de novo. Affected: yes. Observed: 1 variant allele.

Literature cited by the submitters: PubMed 30029678 (cited by Wendy Chung Laboratory, Boston Children's Hospital).

NM_001321120.2(TBX4):c.670_672del (p.Phe224del)

Gene: TBX4 (T-box transcription factor 4; plus strand). Cytogenetic location: 17q23.2.
Variant type: Deletion.
Coding change: c.670_672del on transcript NM_001321120.2 (MANE Select); coding-DNA positions 670 to 672, 3 bases deleted (TTC; older notation c.670_672delTTC).
Protein change: p.Phe224del; deletes phenylalanine 224.
Molecular consequence: inframe deletion.
Genome position (GRCh38, 1-based): chr17:61,478,747-61,478,749, TTC deleted; deleting any 3 consecutive bases within chr17:61,478,746-61,478,749 gives the same sequence; the c. name uses the placement nearest the transcript's 3' end. VCF-style (leftmost placement, unchanged base first): chr17-61478745-CCTT-C. GRCh37 (hg19) VCF-style: chr17-59556106-CCTT-C.
Other names: c.670_672delTTC (NM_018488.3); c.670_672del, p.Phe224del (LRG_1206t1, NM_018488.3); c.670_672del (NM_018488.2); short protein forms F224del.
Identifiers: ClinVar variation 548697 (VCV000548697.3), dbSNP rs1555883338, ClinGen allele CA658824651.